The following is an entry in ClinVar:

NM_004304.5(ALK):c.2235_2243del (p.743GGK[1])

Gene: ALK (ALK receptor tyrosine kinase; minus strand). Cytogenetic location: 2p23.2.
Variant type: Deletion.
Coding change: c.2235_2243del on transcript NM_004304.5 (MANE Select); coding-DNA positions 2235 to 2243, 9 bases deleted (AGGCGGGAA; older notation c.2235_2243delAGGCGGGAA).
Protein change: p.743GGK[1].
Molecular consequence: inframe deletion.
Genome position (GRCh38, 1-based): chr2:29,239,792-29,239,800, TTCCCGCCT deleted on the plus strand (AGGCGGGAA on the coding strand, the reverse complement: ALK is on the minus strand); deleting any 9 consecutive bases within chr2:29,239,792-29,239,808 gives the same sequence; the c. name uses the placement nearest the transcript's 3' end. VCF-style (leftmost placement, unchanged base first): chr2-29239791-CTTCCCGCCT-C. GRCh37 (hg19) VCF-style: chr2-29462657-CTTCCCGCCT-C.
Identifiers: ClinVar variation 4709811 (VCV004709811.1).

ClinVar aggregate classification (germline): Uncertain significance (1 of 4 stars; one submission).

Conditions:
Neuroblastoma, susceptibility to, 3. Also called: ALK-Related Neuroblastic Tumor Susceptibility. Identifiers: Orphanet 635, MedGen C2751681, MONDO:0013083, OMIM 613014.

Submission:

Labcorp Genetics (formerly Invitae), Labcorp
Classification: Uncertain significance for Neuroblastoma, susceptibility to, 3. Last evaluated: 2025-09-22. Review status: criteria provided, single submitter. Criteria: Invitae Variant Classification Sherloc (09022015). Collection method: clinical testing. Allele origin: germline.
Comment: This variant, c.2235_2243del, results in the deletion of 3 amino acid(s) of the ALK protein (p.Gly746_Lys748del), but otherwise preserves the integrity of the reading frame. This variant is not present in population databases (gnomAD no frequency). This variant has not been reported in the literature in individuals affected with ALK-related conditions. Experimental studies and prediction algorithms are not available or were not evaluated, and the functional significance of this variant is currently unknown. In summary, the available evidence is currently insufficient to determine the role of this variant in disease. Therefore, it has been classified as a Variant of Uncertain Significance.